The following is an entry in ClinVar:

ClinVar aggregate classification (germline): Pathogenic (1 of 4 stars; one submission).

Submission:

Labcorp Genetics (formerly Invitae), Labcorp
Classification: Pathogenic. Last evaluated: 2024-03-04. Review status: criteria provided, single submitter. Criteria: Invitae Variant Classification Sherloc (09022015). Collection method: clinical testing. Allele origin: germline.
Comment: This sequence change creates a premature translational stop signal (p.Thr4354Asnfs*11) in the ADGRV1 gene. It is expected to result in an absent or disrupted protein product. Loss-of-function variants in ADGRV1 are known to be pathogenic (PMID: 19357117, 22135276, 22147658, 26226137, 30718709, 31047384, 32467589). This variant is not present in population databases (gnomAD no frequency). This variant has not been reported in the literature in individuals affected with ADGRV1-related conditions. For these reasons, this variant has been classified as Pathogenic.

Literature cited by the submitters: PubMed 19357117; PubMed 22135276; PubMed 22147658; PubMed 26226137; PubMed 30718709; PubMed 31047384; PubMed 32467589.

NM_032119.4(ADGRV1):c.13060dup (p.Thr4354fs)

Gene: ADGRV1 (adhesion G protein-coupled receptor V1; plus strand). Cytogenetic location: 5q14.3.
Variant type: Duplication.
Coding change: c.13060dup on transcript NM_032119.4 (MANE Select); coding-DNA position 13060, one base duplicated (A; older notation c.13060dupA).
Protein change: p.Thr4354fs; shifts the reading frame from threonine 4354.
Molecular consequence: frameshift variant. On other transcripts: non-coding transcript variant (1).
Genome position (GRCh38, 1-based): chr5:90,779,075, A duplicated. VCF-style (leftmost placement, unchanged base first): chr5-90779074-T-TA. GRCh37 (hg19) VCF-style: chr5-90074891-T-TA.
Other names: short protein forms T4354fs.
Identifiers: ClinVar variation 3644455 (VCV003644455.2).